The following is an entry in ClinVar:

ClinVar aggregate classification (germline): Likely benign. Review status: criteria provided, multiple submitters, no conflicts (2 of 4 stars). 2 submissions from 2 submitters: Likely benign (2). Last evaluated 2025-02-16.

Allele frequency attached by ClinVar (database versions not stated): TOPMed 0.00006; gnomAD exomes 0.00007; ESP Exome Variant Server 0.00008; gnomAD 0.00013; ExAC 0.00025.
gnomAD v4.1: 120 of 1,578,272 alleles (0.0076%); highest among the groups gnomAD compares: Non-Finnish European, 0.01%; no homozygotes.

Submissions (2):

Laboratory of Genetics, Children's Clinical University Hospital Latvia
Classification: Likely benign. Last evaluated: 2025-02-16. Review status: criteria provided, single submitter. Criteria: ACMG Guidelines, 2015. Collection method: clinical testing. Allele origin: germline. Affected: yes.

CeGaT Center for Human Genetics Tuebingen
Classification: Likely benign. Last evaluated: 2022-07-01. Review status: criteria provided, single submitter. Criteria: CeGaT Center For Human Genetics Tuebingen Variant Classification Criteria Version 2. Collection method: clinical testing. Allele origin: germline. Affected: yes. Observed: 1 variant allele.
Comment: INTS1: BP4, BP7

NM_001080453.3(INTS1):c.2022G>A (p.Glu674=)

Gene: INTS1 (integrator complex subunit 1; minus strand). Cytogenetic location: 7p22.3.
Variant type: single nucleotide variant.
Coding change: c.2022G>A on transcript NM_001080453.3 (MANE Select); coding-DNA position 2022, G replaced by A.
Protein change: p.Glu674=; no amino-acid change (glutamic acid 674 retained).
Molecular consequence: synonymous variant.
Genome position (GRCh38, 1-based): chr7:1,493,800, C>T on the plus strand (G>A on the coding strand, the complement: INTS1 is on the minus strand). VCF-style: chr7-1493800-C-T. GRCh37 (hg19) VCF-style: chr7-1533436-C-T.
Identifiers: ClinVar variation 2657208 (VCV002657208.25), dbSNP rs371844185, ClinGen allele CA4120050.